The following is an entry in ClinVar:

ClinVar aggregate classification (germline): Uncertain significance (1 of 4 stars; one submission).

Allele frequency attached by ClinVar (database versions not stated): ExAC 0.00001.
gnomAD v4.1: 6 of 1,601,366 alleles (0.00037%); highest among the groups gnomAD compares: Non-Finnish European, 0.00051%; no homozygotes.

Submission:

Labcorp Genetics (formerly Invitae), Labcorp
Classification: Uncertain significance. Last evaluated: 2025-01-16. Review status: criteria provided, single submitter. Criteria: Invitae Variant Classification Sherloc (09022015). Collection method: clinical testing. Allele origin: germline.
Comment: This sequence change replaces alanine, which is neutral and non-polar, with proline, which is neutral and non-polar, at codon 1350 of the WDR62 protein (p.Ala1350Pro). This variant is present in population databases (rs754276643, gnomAD 0.002%). This variant has not been reported in the literature in individuals affected with WDR62-related conditions. ClinVar contains an entry for this variant (Variation ID: 2053453). Invitae Evidence Modeling of protein sequence and biophysical properties (such as structural, functional, and spatial information, amino acid conservation, physicochemical variation, residue mobility, and thermodynamic stability) indicates that this missense variant is not expected to disrupt WDR62 protein function with a negative predictive value of 80%. In summary, the available evidence is currently insufficient to determine the role of this variant in disease. Therefore, it has been classified as a Variant of Uncertain Significance.

NM_001083961.2(WDR62):c.4048G>C (p.Ala1350Pro)

Gene: WDR62 (WD repeat domain 62; plus strand). Cytogenetic location: 19q13.12.
Variant type: single nucleotide variant.
Coding change: c.4048G>C on transcript NM_001083961.2 (MANE Select); coding-DNA position 4048, G replaced by C.
Protein change: p.Ala1350Pro; replaces alanine 1350 with proline.
Molecular consequence: missense variant.
Genome position (GRCh38, 1-based): chr19:36,103,876, G>C. VCF-style: chr19-36103876-G-C. GRCh37 (hg19) VCF-style: chr19-36594778-G-C.
Other names: c.4033G>C, p.Ala1345Pro (NM_001411145.1, NM_173636.5); c.3799G>C, p.Ala1267Pro (NM_001411146.1); c.3697G>C, p.Ala1233Pro (NM_001411147.1); short protein forms A1233P, A1345P, A1267P, A1350P.
Identifiers: ClinVar variation 2053453 (VCV002053453.4), dbSNP rs754276643, ClinGen allele CA9396455.